The following is an entry in ClinVar:

ClinVar aggregate classification (germline): Likely benign. Review status: criteria provided, multiple submitters, no conflicts (2 of 4 stars). 2 submissions from 2 submitters: Likely benign (2). Last evaluated 2025-12-26.

Conditions:
Propionic acidemia (PROP). Also called: GLYCINEMIA, KETOTIC; HYPERGLYCINEMIA WITH KETOACIDOSIS AND LEUKOPENIA; KETOTIC HYPERGLYCINEMIA. Identifiers: Orphanet 35, MedGen C0268579, MONDO:0011628, OMIM 606054, HP:0003571.
PCCA-related disorder. Also called: PCCA-related condition.

Allele frequency attached by ClinVar (database versions not stated): gnomAD exomes below 0.00001; TOPMed below 0.00001; gnomAD 0.00001.
gnomAD v4.1: 2 of 1,532,832 alleles (0.00013%); highest among the groups gnomAD compares: Non-Finnish European, 0.00018%; no homozygotes.

Submissions (2):

Labcorp Genetics (formerly Invitae), Labcorp
Classification: Likely benign for Propionic acidemia. Last evaluated: 2025-12-26. Review status: criteria provided, single submitter. Criteria: Invitae Variant Classification Sherloc (09022015). Collection method: clinical testing. Allele origin: germline.

PreventionGenetics, part of Exact Sciences
Classification: Likely benign for PCCA-related condition. Last evaluated: 2024-11-03. Review status: criteria provided, single submitter. Criteria: ACMG Guidelines, 2015. Collection method: clinical testing. Allele origin: germline.
Comment: This variant is classified as likely benign based on ACMG/AMP sequence variant interpretation guidelines (Richards et al. 2015 PMID: 25741868, with internal and published modifications).

NM_000282.4(PCCA):c.414+7C>G

Gene: PCCA (propionyl-CoA carboxylase subunit alpha; plus strand). Cytogenetic location: 13q32.3.
Variant type: single nucleotide variant.
Coding change: c.414+7C>G on transcript NM_000282.4 (MANE Select); 7 bases into the intron after coding-DNA position 414, C replaced by G.
Molecular consequence: intron variant.
Genome position (GRCh38, 1-based): chr13:100,155,099, C>G. VCF-style: chr13-100155099-C-G. GRCh37 (hg19) VCF-style: chr13-100807353-C-G.
Other names: c.414+7C>G (NM_001178004.2, NM_001352605.2, NM_001352606.2 and 1 more transcripts); c.-453+7C>G (NM_001352610.2, NM_001352611.2, NM_001352612.2); c.336+7C>G (NM_001127692.3, NM_001352607.2, NM_001352608.2).
Identifiers: ClinVar variation 792636 (VCV000792636.9), dbSNP rs1051098122, ClinGen allele CA255970809.